The following is an entry in ClinVar:

ClinVar aggregate classification (germline): Uncertain significance (1 of 4 stars; one submission).

Conditions:
Progressive sclerosing poliodystrophy (MTDPS4A). Also called: ALPERS PROGRESSIVE INFANTILE POLIODYSTROPHY; ALPERS DIFFUSE DEGENERATION OF CEREBRAL GRAY MATTER WITH HEPATIC CIRRHOSIS; Alpers-Huttenlocher Syndrome; NEURONAL DEGENERATION OF CHILDHOOD WITH LIVER DISEASE, PROGRESSIVE; Alpers Syndrome; Mitochondrial DNA Depletion Syndrome 4A. Identifiers: Orphanet 726, MedGen C0205710, MONDO:0008758, OMIM 203700.

Submission:

Labcorp Genetics (formerly Invitae), Labcorp
Classification: Uncertain significance for Progressive sclerosing poliodystrophy. Last evaluated: 2022-07-19. Review status: criteria provided, single submitter. Criteria: Invitae Variant Classification Sherloc (09022015). Collection method: clinical testing. Allele origin: germline.
Comment: Algorithms developed to predict the effect of missense changes on protein structure and function are either unavailable or do not agree on the potential impact of this missense change (SIFT: "Deleterious"; PolyPhen-2: "Probably Damaging"; Align-GVGD: "Class C15"). In summary, the available evidence is currently insufficient to determine the role of this variant in disease. Therefore, it has been classified as a Variant of Uncertain Significance. ClinVar contains an entry for this variant (Variation ID: 1010596). This variant has not been reported in the literature in individuals affected with POLG-related conditions. This variant is not present in population databases (gnomAD no frequency). This sequence change replaces phenylalanine, which is neutral and non-polar, with serine, which is neutral and polar, at codon 407 of the POLG protein (p.Phe407Ser).

NM_002693.3(POLG):c.1220T>C (p.Phe407Ser)

Gene: POLG (DNA polymerase gamma, catalytic subunit; minus strand). Cytogenetic location: 15q26.1.
Variant type: single nucleotide variant.
Coding change: c.1220T>C on transcript NM_002693.3 (MANE Select); coding-DNA position 1220, T replaced by C.
Protein change: p.Phe407Ser; replaces phenylalanine 407 with serine.
Molecular consequence: missense variant.
Genome position (GRCh38, 1-based): chr15:89,328,486, A>G on the plus strand (T>C on the coding strand, the complement: POLG is on the minus strand). VCF-style: chr15-89328486-A-G. GRCh37 (hg19) VCF-style: chr15-89871717-A-G.
Other names: c.1220T>C, p.Phe407Ser (NM_001126131.2); short protein forms F407S.
Identifiers: ClinVar variation 1010596 (VCV001010596.9), dbSNP rs749715845, ClinGen allele CA393764059.